The following is an entry in ClinVar:

NM_022370.4(ROBO3):c.769C>T (p.Arg257Cys)

Gene: ROBO3 (roundabout guidance receptor 3; plus strand). Cytogenetic location: 11q24.2.
Variant type: single nucleotide variant.
Coding change: c.769C>T on transcript NM_022370.4 (MANE Select); coding-DNA position 769, C replaced by T.
Protein change: p.Arg257Cys; replaces arginine 257 with cysteine.
Molecular consequence: missense variant.
Genome position (GRCh38, 1-based): chr11:124,870,167, C>T. VCF-style: chr11-124870167-C-T. GRCh37 (hg19) VCF-style: chr11-124740063-C-T.
Other names: short protein forms R257C.
Identifiers: ClinVar variation 303229 (VCV000303229.12), dbSNP rs200451819, ClinGen allele CA6343296.

ClinVar aggregate classification (germline): Uncertain significance. Review status: criteria provided, multiple submitters, no conflicts (2 of 4 stars). 5 submissions from 5 submitters: Uncertain significance (5). Last evaluated 2026-04-22.

Conditions:
ROBO3-related disorder. Also called: ROBO3-related condition.
Inborn genetic diseases. Identifiers: MedGen C0950123, MeSH D030342.
Gaze palsy, familial horizontal, with progressive scoliosis 1 (HGPPS1). Identifiers: Orphanet 2744, MedGen C4551964, MONDO:0020790, OMIM 607313.

Allele frequency attached by ClinVar (database versions not stated): ExAC 0.00057; TOPMed 0.00062; gnomAD exomes 0.00065 and 0.00093; ESP Exome Variant Server 0.00072; gnomAD 0.00072 and 0.00079.

Submissions (5):

PreventionGenetics, part of Exact Sciences
Classification: Uncertain significance for ROBO3-related condition. Last evaluated: 2026-04-22. Review status: criteria provided, single submitter. Criteria: ACMG Guidelines, 2015. Collection method: clinical testing. Allele origin: germline.
Comment: The ROBO3 c.769C>T variant is predicted to result in the amino acid substitution p.Arg257Cys. To our knowledge, this variant has not been reported in the literature. This variant is reported in 0.11% of alleles in individuals of European (Non-Finnish) descent in gnomAD, including 1 homozygote in gnomAD v4. Although we suspect that this variant may be benign, at this time, the clinical significance of this variant is uncertain due to the absence of conclusive functional and genetic evidence.

Ambry Genetics
Classification: Uncertain significance for Inborn genetic diseases. Last evaluated: 2024-11-13. Review status: criteria provided, single submitter. Criteria: Ambry Variant Classification Scheme 2023. Collection method: clinical testing. Allele origin: germline.

Fulgent Genetics
Classification: Uncertain significance for Gaze palsy, familial horizontal, with progressive scoliosis 1. Last evaluated: 2024-05-01. Review status: criteria provided, single submitter. Criteria: ACMG Guidelines, 2015. Collection method: clinical testing. Allele origin: germline.

GeneDx
Classification: Uncertain significance. Last evaluated: 2022-01-05. Review status: criteria provided, single submitter. Criteria: GeneDx Variant Classification Process June 2021. Collection method: clinical testing. Allele origin: germline. Affected: yes.
Comment: In silico analysis supports that this missense variant has a deleterious effect on protein structure/function; Has not been previously published as pathogenic or benign to our knowledge

Illumina Laboratory Services, Illumina
Classification: Uncertain significance for Gaze palsy, familial horizontal, with progressive scoliosis 1. Last evaluated: 2018-01-13. Review status: criteria provided, single submitter. Criteria: ICSL Variant Classification Criteria 13 December 2019. Collection method: clinical testing. Allele origin: germline.